The following is an entry in ClinVar:

NM_001261.4(CDK9):c.607G>T (p.Glu203Ter)

Gene: CDK9 (cyclin dependent kinase 9; plus strand). Cytogenetic location: 9q34.11.
Variant type: single nucleotide variant.
Coding change: c.607G>T on transcript NM_001261.4 (MANE Select); coding-DNA position 607, G replaced by T.
Protein change: p.Glu203Ter; replaces glutamic acid 203 with a stop codon.
Molecular consequence: nonsense.
Genome position (GRCh38, 1-based): chr9:127,788,546, G>T. VCF-style: chr9-127788546-G-T. GRCh37 (hg19) VCF-style: chr9-130550825-G-T.
Other names: short protein forms E203*.
Identifiers: ClinVar variation 3349761 (VCV003349761.1).

ClinVar aggregate classification (germline): Likely benign (0 of 4 stars; one submission).

Conditions:
CDK9-related disorder. Also called: CDK9-related condition.

Submission:

PreventionGenetics, part of Exact Sciences
Classification: Likely benign for CDK9-related condition. Last evaluated: 2024-09-17. Review status: no assertion criteria provided. Collection method: clinical testing. Allele origin: germline.
Comment: This variant is classified as likely benign based on ACMG/AMP sequence variant interpretation guidelines (Richards et al. 2015 PMID: 25741868, with internal and published modifications).